The following is an entry in ClinVar:

NM_000038.6(APC):c.1021C>G (p.Gln341Glu)

Gene: APC (APC regulator of Wnt signaling pathway; plus strand). Cytogenetic location: 5q22.2.
Variant type: single nucleotide variant.
Coding change: c.1021C>G on transcript NM_000038.6 (MANE Select); coding-DNA position 1021, C replaced by G.
Protein change: p.Gln341Glu; replaces glutamine 341 with glutamic acid.
Molecular consequence: missense variant. On other transcripts: intron variant (4).
Genome position (GRCh38, 1-based): chr5:112,819,053, C>G. VCF-style: chr5-112819053-C-G. GRCh37 (hg19) VCF-style: chr5-112154750-C-G.
Other names: c.1021C>G, p.Gln341Glu (NM_001127510.3, NM_001354895.2, NM_001354896.2); c.967C>G, p.Gln323Glu (NM_001127511.3); c.1051C>G, p.Gln351Glu (NM_001354897.2); c.946C>G, p.Gln316Glu (NM_001354898.2); c.937C>G, p.Gln313Glu (NM_001354899.2); c.844C>G, p.Gln282Glu (NM_001354900.2, NM_001354901.2); c.172C>G, p.Gln58Glu (NM_001354906.2); c.964-216C>G (NM_001354902.2); and 3 more; short protein forms Q282E, Q313E, Q351E, Q58E, Q316E, Q323E, Q341E.
Identifiers: ClinVar variation 1499035 (VCV001499035.8), dbSNP rs77058194, ClinGen allele CA16023543.

ClinVar aggregate classification (germline): Uncertain significance (1 of 4 stars; one submission).

Conditions:
Familial adenomatous polyposis 1 (FAP1). Also called: FAMILIAL ADENOMATOUS POLYPOSIS 1, ATTENUATED; POLYPOSIS, ADENOMATOUS INTESTINAL. Identifiers: MedGen C2713442, MONDO:0021056, OMIM 175100. Disease mechanism: loss of function.

Allele frequency attached by ClinVar (database versions not stated): gnomAD exomes below 0.00001.
gnomAD v4.1: 1 of 1,614,072 alleles (0.000062%); highest among the groups gnomAD compares: Non-Finnish European, 0.000085%; no homozygotes.

Submission:

Labcorp Genetics (formerly Invitae), Labcorp
Classification: Uncertain significance for Familial adenomatous polyposis 1. Last evaluated: 2021-03-07. Review status: criteria provided, single submitter. Criteria: Invitae Variant Classification Sherloc (09022015). Collection method: clinical testing. Allele origin: germline.
Comment: Algorithms developed to predict the effect of missense changes on protein structure and function are either unavailable or do not agree on the potential impact of this missense change (SIFT: "Deleterious"; PolyPhen-2: "Benign"; Align-GVGD: "Class C0"). In summary, the available evidence is currently insufficient to determine the role of this variant in disease. Therefore, it has been classified as a Variant of Uncertain Significance. This variant has not been reported in the literature in individuals with APC-related conditions. This variant is not present in population databases (ExAC no frequency). This sequence change replaces glutamine with glutamic acid at codon 341 of the APC protein (p.Gln341Glu). The glutamine residue is highly conserved and there is a small physicochemical difference between glutamine and glutamic acid.